The following is an entry in ClinVar:

NM_003803.4(MYOM1):c.3352A>G (p.Ile1118Val)

Gene: MYOM1 (myomesin 1; minus strand). Cytogenetic location: 18p11.31.
Variant type: single nucleotide variant.
Coding change: c.3352A>G on transcript NM_003803.4 (MANE Select); coding-DNA position 3352, A replaced by G.
Protein change: p.Ile1118Val; replaces isoleucine 1118 with valine.
Molecular consequence: missense variant.
Genome position (GRCh38, 1-based): chr18:3,112,364, T>C on the plus strand (A>G on the coding strand, the complement: MYOM1 is on the minus strand). VCF-style: chr18-3112364-T-C. GRCh37 (hg19) VCF-style: chr18-3112362-T-C.
Other names: c.3064A>G, p.Ile1022Val (NM_019856.2); short protein forms I1118V, I1022V.
Identifiers: ClinVar variation 653462 (VCV000653462.1), dbSNP rs965953541, ClinGen allele CA295502215.

ClinVar aggregate classification (germline): Uncertain significance (1 of 4 stars; one submission).

Conditions:
Hypertrophic cardiomyopathy. Also called: HYPERTROPHIC MYOCARDIOPATHY. Identifiers: Orphanet 217569, MedGen C0007194, MeSH D002312, MONDO:0005045, HP:0001639.

Submission:

Labcorp Genetics (formerly Invitae), Labcorp
Classification: Uncertain significance for Hypertrophic cardiomyopathy. Last evaluated: 2018-10-02. Review status: criteria provided, single submitter. Criteria: Invitae Variant Classification Sherloc (09022015). Collection method: clinical testing. Allele origin: germline.
Comment: This sequence change replaces isoleucine with valine at codon 1118 of the MYOM1 protein (p.Ile1118Val). The isoleucine residue is weakly conserved and there is a small physicochemical difference between isoleucine and valine. This variant is not present in population databases (ExAC no frequency). This variant has not been reported in the literature in individuals with MYOM1-related disease. Algorithms developed to predict the effect of missense changes on protein structure and function output the following: SIFT: "Tolerated"; PolyPhen-2: "Benign"; Align-GVGD: "Class C0". The valine amino acid residue is found in multiple mammalian species, suggesting that this missense change does not adversely affect protein function. These predictions have not been confirmed by published functional studies and their clinical significance is uncertain. In summary, the available evidence is currently insufficient to determine the role of this variant in disease. Therefore, it has been classified as a Variant of Uncertain Significance.